The following is an entry in ClinVar:

ClinVar aggregate classification (germline): Pathogenic (1 of 4 stars; one submission).

Conditions:
Hermansky-Pudlak syndrome 2 (HPS2). Also called: Platelet defects and oculocutaneous albinism. Identifiers: Orphanet 183678, Orphanet 79430, MedGen C1842362, MONDO:0011997, OMIM 608233.

Allele frequency attached by ClinVar (database versions not stated): TOPMed below 0.00001.

Submission:

Labcorp Genetics (formerly Invitae), Labcorp
Classification: Pathogenic for Hermansky-Pudlak syndrome 2. Last evaluated: 2023-07-31. Review status: criteria provided, single submitter. Criteria: Invitae Variant Classification Sherloc (09022015). Collection method: clinical testing. Allele origin: germline.
Comment: This sequence change creates a premature translational stop signal (p.Gln470Lysfs*33) in the AP3B1 gene. It is expected to result in an absent or disrupted protein product. Loss-of-function variants in AP3B1 are known to be pathogenic (PMID: 16507770, 23403622). For these reasons, this variant has been classified as Pathogenic. This variant has not been reported in the literature in individuals affected with AP3B1-related conditions. This variant is not present in population databases (gnomAD no frequency).

Literature cited by the submitters: PubMed 16507770; PubMed 23403622.

NM_003664.5(AP3B1):c.1408del (p.Gln470fs)

Gene: AP3B1 (adaptor related protein complex 3 subunit beta 1; minus strand). Cytogenetic location: 5q14.1.
Variant type: Deletion.
Coding change: c.1408del on transcript NM_003664.5 (MANE Select); coding-DNA position 1408, one base deleted (C; older notation c.1408delC).
Protein change: p.Gln470fs; shifts the reading frame from glutamine 470.
Molecular consequence: frameshift variant.
Genome position (GRCh38, 1-based): chr5:78,156,323, G deleted on the plus strand (C on the coding strand, the reverse complement: AP3B1 is on the minus strand). VCF-style (leftmost placement, unchanged base first): chr5-78156322-TG-T. GRCh37 (hg19) VCF-style: chr5-77452146-TG-T.
Other names: c.1261del, p.Gln421fs (NM_001271769.2); c.1408del, p.Gln470fs (NM_001410752.1); short protein forms Q421fs, Q470fs.
Identifiers: ClinVar variation 2748816 (VCV002748816.3), dbSNP rs1457697672, ClinGen allele CA814216797.
Genomic context (GRCh38, chr5:78,156,322, plus strand): 5'-ATACTGTCCAGGAGTTTGGCCATATGTTTAATAATTTCACCATGTTGTGCAGGTTGCATT[TG>T]CAGTAATTTCTTTATAACAACCACACTTTCAGCAACAACTATTTCTGAAAAAGATAGAAA-3'